The following is an entry in ClinVar:

NM_003193.5(TBCE):c.470del (p.Lys157fs)

Gene: TBCE (tubulin folding cofactor E; plus strand). Cytogenetic location: 1q42.3.
Variant type: Deletion.
Coding change: c.470del on transcript NM_003193.5 (MANE Select); coding-DNA position 470, one base deleted (A; older notation c.470delA).
Protein change: p.Lys157fs; shifts the reading frame from lysine 157.
Molecular consequence: frameshift variant.
Genome position (GRCh38, 1-based): chr1:235,427,149, A deleted; the last of 3 consecutive A bases (chr1:235,427,147-235,427,149); deleting any one gives the same sequence. VCF-style (leftmost placement, unchanged base first): chr1-235427146-GA-G. GRCh37 (hg19) VCF-style: chr1-235590461-GA-G.
Other names: c.470del, p.Lys157fs (NM_001079515.3, NM_001287801.2); c.131del, p.Lys44fs (NM_001287802.2); short protein forms K157fs, K44fs.
Identifiers: ClinVar variation 2809140 (VCV002809140.3), dbSNP rs2526997211, ClinGen allele CA2651111069.
Genomic context (GRCh38, chr1:235,427,146, plus strand): 5'-TTTATGTCTTTTGTGAATCTTTTGAAATTACTGTTTCTTAACATGTGCTTTTAGATATCA[GA>G]AAGGTAGATTTGTCAAAAAACCTGTTGTCATCATGGGATGAAGTGATACACATTGCTGAT-3'

ClinVar aggregate classification (germline): Pathogenic (1 of 4 stars; one submission).

Submission:

Labcorp Genetics (formerly Invitae), Labcorp
Classification: Pathogenic. Last evaluated: 2023-12-04. Review status: criteria provided, single submitter. Criteria: Invitae Variant Classification Sherloc (09022015). Collection method: clinical testing. Allele origin: germline.
Comment: This sequence change creates a premature translational stop signal (p.Lys157Argfs*2) in the TBCE gene. It is expected to result in an absent or disrupted protein product. Loss-of-function variants in TBCE are known to be pathogenic (PMID: 27666369, 34134906, 34356170). This variant is not present in population databases (gnomAD no frequency). This variant has not been reported in the literature in individuals affected with TBCE-related conditions. For these reasons, this variant has been classified as Pathogenic.

Literature cited by the submitters: PubMed 27666369; PubMed 34134906; PubMed 34356170.